The following is an entry in ClinVar:

NM_004612.4(TGFBR1):c.298T>C (p.Cys100Arg)

Gene: TGFBR1 (transforming growth factor beta receptor 1; plus strand). Cytogenetic location: 9q22.33.
Variant type: single nucleotide variant.
Coding change: c.298T>C on transcript NM_004612.4 (MANE Select); coding-DNA position 298, T replaced by C.
Protein change: p.Cys100Arg; replaces cysteine 100 with arginine.
Molecular consequence: missense variant. On other transcripts: non-coding transcript variant (4), intron variant (3).
Genome position (GRCh38, 1-based): chr9:99,129,055, T>C. VCF-style: chr9-99129055-T-C. GRCh37 (hg19) VCF-style: chr9-101891337-T-C.
Other names: c.298T>C, p.Cys100Arg (NM_001130916.3, NM_001306210.2, NM_001407416.1 and 2 more transcripts); c.91T>C, p.Cys31Arg (NM_001407418.1, NM_001407419.1, NM_001407420.1 and 12 more transcripts); c.98-3454T>C (NM_001407436.1); c.98-8804T>C (NM_001407438.1); c.98-13481T>C (NM_001407437.1); short protein forms C100R, C31R.
Identifiers: ClinVar variation 3767547 (VCV003767547.1).

ClinVar aggregate classification (germline): Uncertain significance (1 of 4 stars; one submission).

Submission:

GeneDx
Classification: Uncertain significance. Last evaluated: 2024-09-10. Review status: criteria provided, single submitter. Criteria: GeneDx Variant Classification Process June 2021. Collection method: clinical testing. Allele origin: germline. Affected: yes.
Comment: Not observed at significant frequency in large population cohorts (gnomAD); In silico analysis supports that this missense variant has a deleterious effect on protein structure/function; Has not been previously published as pathogenic or benign to our knowledge